The following is an entry in ClinVar:

ClinVar aggregate classification (germline): Uncertain significance. Review status: criteria provided, multiple submitters, no conflicts (2 of 4 stars). 2 submissions from 2 submitters: Uncertain significance (2). Last evaluated 2026-05-28.

Conditions:
Polycystic kidney disease, adult type (PKD1). Also called: POLYCYSTIC KIDNEY DISEASE, ADULT, TYPE I; POLYCYSTIC KIDNEY DISEASE 1 WITH OR WITHOUT POLYCYSTIC LIVER DISEASE; Polycystic Kidney Disease 1, Autosomal Dominant; Polycystic kidney disease 1; Polycystic kidney disease 1, severe; Polycystic Kidney, Autosomal Dominant. Identifiers: MedGen C3149841, MONDO:0008263, OMIM 173900.

Submissions (2):

GeneDx
Classification: Uncertain significance. Last evaluated: 2026-05-28. Review status: criteria provided, single submitter. Criteria: GeneDx Variant Classification Process June 2021. Collection method: clinical testing. Allele origin: germline.
Comment: Identified in unrelated patients with polycystic kidney disease referred for genetic testing at GeneDx and in published literature (PMID: 31740684); Not observed at significant frequency in large population cohorts (gnomAD); In silico analysis supports that this missense variant has a deleterious effect on protein structure/function; This variant is associated with the following publications: (PMID: 31740684)

Fulgent Genetics
Classification: Uncertain significance for Polycystic kidney disease, adult type. Last evaluated: 2022-01-19. Review status: criteria provided, single submitter. Criteria: ACMG Guidelines, 2015. Collection method: clinical testing. Allele origin: unknown.

NM_001009944.3(PKD1):c.9041T>C (p.Leu3014Pro)

Gene: PKD1 (polycystin 1, transient receptor potential channel interacting; minus strand). Cytogenetic location: 16p13.3.
Variant type: single nucleotide variant.
Coding change: c.9041T>C on transcript NM_001009944.3 (MANE Select); coding-DNA position 9041, T replaced by C.
Protein change: p.Leu3014Pro; replaces leucine 3014 with proline.
Molecular consequence: missense variant.
Genome position (GRCh38, 1-based): chr16:2,102,541, A>G on the plus strand (T>C on the coding strand, the complement: PKD1 is on the minus strand). VCF-style: chr16-2102541-A-G. GRCh37 (hg19) VCF-style: chr16-2152542-A-G.
Other names: c.9041T>C, p.Leu3014Pro (NM_000296.4); short protein forms L3014P.
Identifiers: ClinVar variation 1678840 (VCV001678840.5), dbSNP rs2151750096, ClinGen allele CA394360777.
Genomic context (GRCh38, chr16:2,102,541, plus strand): 5'-TCCAGGGGCAGCAGCCCCTCTGTCCGCCACACCATGTCCTCCTCGCTGAAGTACTGGCAC[A>G]GGGACGTGTACAGGCCCACGGACACCTGCAGCGCCGACCAGCGGAAGTGGCTGGAGAGGT-3'
Protein context (NP_001009944.3, residues 3004-3024): LQVSVGLYTS[Leu3014Pro]CQYFSEEDMV